The following is an entry in ClinVar:

NM_000548.5(TSC2):c.2943T>C (p.Ser981=)

Gene: TSC2 (TSC complex subunit 2; plus strand). Cytogenetic location: 16p13.3.
Variant type: single nucleotide variant.
Coding change: c.2943T>C on transcript NM_000548.5 (MANE Select); coding-DNA position 2943, T replaced by C.
Protein change: p.Ser981=; no amino-acid change (serine 981 retained).
Molecular consequence: synonymous variant. On other transcripts: intron variant (9).
Genome position (GRCh38, 1-based): chr16:2,077,703, T>C. VCF-style: chr16-2077703-T-C. GRCh37 (hg19) VCF-style: chr16-2127704-T-C.
Other names: c.2943T>C (NM_000548.3); c.2943T>C, p.Ser981= (NM_001114382.3); c.2837+1118T>C (NM_021055.3, NM_001370405.1, NM_001363528.2 and 2 more transcripts); c.2726+1118T>C (NM_001318827.2); c.2237+1118T>C (NM_001318831.2); c.2690+1118T>C (NM_001318829.2); c.2870+1118T>C (NM_001318832.2).
Identifiers: ClinVar variation 1610967 (VCV001610967.9), dbSNP rs1596375342, ClinGen allele CA492954972.
Genomic context (GRCh38, chr16:2,077,703, plus strand): 5'-ACCCGTGAAAGAATTCAAGGAGAGCTCTGCAGCCGAGGCCTTCCGGTGCCGCAGCATCAG[T>C]GTGTCTGAACATGTGGTCCGCAGGTAGCGGGACTGTCGGGTGGGGGGCACGGACCCTGGA-3'
Protein context (NP_000539.2, residues 971-991): AAEAFRCRSI[Ser981=]VSEHVVRSRI

ClinVar aggregate classification (germline): Conflicting classifications of pathogenicity. Review status: criteria provided, conflicting classifications (1 of 4 stars). 2 submissions from 2 submitters: Uncertain significance (1); Likely benign (1). Last evaluated 2024-07-10.

Conditions:
Tuberous sclerosis 2 (TSC2). Identifiers: Orphanet 805, MedGen C1860707, MONDO:0013199, OMIM 613254.
Hereditary cancer-predisposing syndrome. Also called: Hereditary neoplastic syndrome; Hereditary Cancer Syndrome; Neoplastic Syndromes, Hereditary; Tumor predisposition. Identifiers: Orphanet 140162, MedGen C0027672, MeSH D009386, MONDO:0015356.

Allele frequency attached by ClinVar (database versions not stated): gnomAD exomes below 0.00001; TOPMed below 0.00001.
gnomAD v4.1: 1 of 1,612,966 alleles (0.000062%); highest among the groups gnomAD compares: Non-Finnish European, 0.000085%; no homozygotes.

Submissions (2):

Ambry Genetics
Classification: Uncertain significance for Hereditary cancer-predisposing syndrome. Last evaluated: 2024-07-10. Review status: criteria provided, single submitter. Criteria: Ambry Variant Classification Scheme 2023. Collection method: clinical testing. Allele origin: germline.
Comment: The c.2943T>C variant (also known as p.S981S), located in coding exon 25 of the TSC2 gene, results from a T to C substitution at nucleotide position 2943. This nucleotide substitution does not change the serine at codon 981. This nucleotide position is not well conserved in available vertebrate species. In silico splice site analysis for this alteration is inconclusive. Based on the available evidence, the clinical significance of this variant remains unclear.

Labcorp Genetics (formerly Invitae), Labcorp
Classification: Likely benign for Tuberous sclerosis 2. Last evaluated: 2023-12-15. Review status: criteria provided, single submitter. Criteria: Invitae Variant Classification Sherloc (09022015). Collection method: clinical testing. Allele origin: germline.